The following is an entry in ClinVar:

ClinVar aggregate classification (germline): Uncertain significance. Review status: criteria provided, multiple submitters, no conflicts (2 of 4 stars). 3 submissions from 3 submitters: Uncertain significance (3). Last evaluated 2023-10-10.

Conditions:
TP63-Related Spectrum Disorders.
ADULT syndrome. Also called: ACRO-DERMATO-UNGUAL-LACRIMAL-TOOTH SYNDROME; Acro-dermato-ungual-lacrimal-tooth (adult) syndrome; Acro-Dermo-Ungual-Lacrimal-Tooth Syndrome (ADULT Syndrome). Identifiers: Orphanet 978, MedGen C1863204, MONDO:0007072, OMIM 103285.
Rapp-Hodgkin syndrome (RHS). Also called: ECTODERMAL DYSPLASIA, ANHIDROTIC, WITH CLEFT LIP/PALATE; Rapp-Hodgkin ectodermal dysplasia syndrome; Isolated Cleft Lip/Cleft Palate (Orofacial Cleft 8). Identifiers: MedGen C1785148, MONDO:0007508, OMIM 129400.
Ankyloblepharon-ectodermal defects-cleft lip/palate syndrome. Also called: Hay-Wells syndrome of ectodermal dysplasia; AEC SYNDROME; HAY-WELLS SYNDROME; Ankyloblepharon-ectodermal defects, cleft lip/palate; Ankyloblepharon-Ectodermal Defects-Cleft Lip/Palate Syndrome (AEC Syndrome). Identifiers: Orphanet 1071, MedGen C0406709, MONDO:0007124, OMIM 106260.
Ectrodactyly, ectodermal dysplasia, and cleft lip-palate syndrome 3. Also called: Ectrodactyly, Ectodermal Dysplasia, Clefting Syndrome; EEC SYNDROME 3; Ectrodactyly, Ectodermal Dysplasia, Cleft Lip/Palate Syndrome 3 (EEC3); Ectrodactyly, Ectodermal Dysplasia, Clefting Syndrome Type 3 (EEC3). Identifiers: Orphanet 1896, MedGen C1858562, MONDO:0011428, OMIM 604292.
Split hand-foot malformation 4. Also called: Split-Hand/Foot Malformation Type 4 (SHFM4); Split-Hand/Foot Malformation Type 4 (SHFM4 syndrome). Identifiers: Orphanet 2440, MedGen C1854442, MONDO:0011535, OMIM 605289.
Limb-mammary syndrome (LMS). Also called: Mammary hypoplasia, ectrodactyly, and other hand/foot anomalies. Identifiers: Orphanet 69085, MedGen C1863753, MONDO:0011334, OMIM 603543.
Orofacial cleft 8. Also called: Cleft lip with or without cleft palate, nonsyndromic, 8. Identifiers: MedGen C1851878, MONDO:0029145, OMIM 618149.

Allele frequency attached by ClinVar (database versions not stated): ExAC 0.00001; gnomAD exomes 0.00001 and 0.00002; TOPMed 0.00001.

Submissions (3):

Clinical Genetics Laboratory, Skane University Hospital Lund
Classification: Uncertain significance. Last evaluated: 2023-10-10. Review status: criteria provided, single submitter. Criteria: ACMG Guidelines, 2015. Collection method: clinical testing. Allele origin: germline. Affected: yes.

Labcorp Genetics (formerly Invitae), Labcorp
Classification: Uncertain significance. Last evaluated: 2023-08-11. Review status: criteria provided, single submitter. Criteria: Invitae Variant Classification Sherloc (09022015). Collection method: clinical testing. Allele origin: germline.
Comment: This sequence change replaces arginine, which is basic and polar, with histidine, which is basic and polar, at codon 21 of the TP63 protein (p.Arg21His). This variant also falls at the last nucleotide of exon 1, which is part of the consensus splice site for this exon. In summary, the available evidence is currently insufficient to determine the role of this variant in disease. Therefore, it has been classified as a Variant of Uncertain Significance. Variants that disrupt the consensus splice site are a relatively common cause of aberrant splicing (PMID: 17576681, 9536098). Algorithms developed to predict the effect of sequence changes on RNA splicing suggest that this variant may disrupt the consensus splice site. An algorithm developed to predict the effect of missense changes on protein structure and function (PolyPhen-2) suggests that this variant is likely to be disruptive. ClinVar contains an entry for this variant (Variation ID: 1510128). This variant has not been reported in the literature in individuals affected with TP63-related conditions. This variant is present in population databases (rs766583971, gnomAD 0.006%).

Fulgent Genetics
Classification: Uncertain significance for ADULT syndrome; Ankyloblepharon-ectodermal defects-cleft lip/palate syndrome; Rapp-Hodgkin syndrome; Limb-mammary syndrome; Ectrodactyly, ectodermal dysplasia, and cleft lip-palate syndrome 3; Split hand-foot malformation 4; Orofacial cleft 8. Last evaluated: 2022-05-05. Review status: criteria provided, single submitter. Criteria: ACMG Guidelines, 2015. Collection method: clinical testing. Allele origin: unknown.

Literature cited by the submitters: PubMed 17576681 (cited by Labcorp Genetics (formerly Invitae), Labcorp); PubMed 9536098 (cited by Labcorp Genetics (formerly Invitae), Labcorp).

NM_003722.5(TP63):c.62G>A (p.Arg21His)

Gene: TP63 (tumor protein p63; plus strand). Cytogenetic location: 3q28.
Variant type: single nucleotide variant.
Coding change: c.62G>A on transcript NM_003722.5 (MANE Select); coding-DNA position 62, G replaced by A.
Protein change: p.Arg21His; replaces arginine 21 with histidine.
Molecular consequence: missense variant. On other transcripts: intron variant (1).
Genome position (GRCh38, 1-based): chr3:189,631,577, G>A. VCF-style: chr3-189631577-G-A. GRCh37 (hg19) VCF-style: chr3-189349366-G-A.
Other names: c.62G>A, p.Arg21His (NM_001114978.2, NM_001114979.2, NM_001329144.2 and 1 more transcripts); c.56+34339G>A (NM_001329964.2); short protein forms R21H.
Identifiers: ClinVar variation 1510128 (VCV001510128.7), dbSNP rs766583971, ClinGen allele CA2752000.